The following is an entry in ClinVar:

ClinVar aggregate classification (germline): Uncertain significance. Review status: criteria provided, multiple submitters, no conflicts (2 of 4 stars). 4 submissions from 4 submitters: Uncertain significance (4). Last evaluated 2025-10-13.

Conditions:
Inborn genetic diseases. Identifiers: MedGen C0950123, MeSH D030342.
GUCY2D-related disorder. Also called: GUCY2D-related condition.
Cone-rod dystrophy 6 (CORD6). Also called: RETINAL CONE DYSTROPHY 2; Cone dystrophy progressive. Identifiers: Orphanet 1872, MedGen C1866293, MONDO:0011143, OMIM 601777.
Leber congenital amaurosis 1 (LCA1). Also called: Congenital absence of the rods and cones; Leber's congenital tapetoretinal degeneration; Leber's congenital tapetoretinal dysplasia; RETINAL BLINDNESS, CONGENITAL; AMAUROSIS CONGENITA OF LEBER I. Identifiers: Orphanet 65, MedGen C2931258, MONDO:0008764, OMIM 204000.

Allele frequency attached by ClinVar (database versions not stated): gnomAD exomes 0.00001 and 0.00002; gnomAD 0.00006; TOPMed 0.00011.
gnomAD v4.1: 24 of 1,530,100 alleles (0.0016%); highest among the groups gnomAD compares: African/African-American, 0.028%; no homozygotes.

Submissions (4):

PreventionGenetics, part of Exact Sciences
Classification: Uncertain significance for GUCY2D-related condition. Last evaluated: 2025-10-13. Review status: criteria provided, single submitter. Criteria: ACMG Guidelines, 2015. Collection method: clinical testing. Allele origin: germline.
Comment: The GUCY2D c.451G>A variant is predicted to result in the amino acid substitution p.Gly151Ser. To our knowledge, this variant has not been reported in the literature. This variant is reported in 0.035% of alleles in individuals of African descent in gnomAD. At this time, the clinical significance of this variant is uncertain due to the absence of conclusive functional and genetic evidence.

Ambry Genetics
Classification: Uncertain significance for Inborn genetic diseases. Last evaluated: 2025-04-08. Review status: criteria provided, single submitter. Criteria: Ambry Variant Classification Scheme 2023. Collection method: clinical testing. Allele origin: germline.

Blueprint Genetics
Classification: Uncertain significance. Last evaluated: 2023-08-14. Review status: criteria provided, single submitter. Criteria: ACMG Guidelines, 2015. Collection method: clinical testing. Allele origin: germline.

Labcorp Genetics (formerly Invitae), Labcorp
Classification: Uncertain significance for Leber congenital amaurosis 1; Cone-rod dystrophy 6. Last evaluated: 2022-09-06. Review status: criteria provided, single submitter. Criteria: Invitae Variant Classification Sherloc (09022015). Collection method: clinical testing. Allele origin: germline.
Comment: This sequence change replaces glycine, which is neutral and non-polar, with serine, which is neutral and polar, at codon 151 of the GUCY2D protein (p.Gly151Ser). This variant is present in population databases (rs773849840, gnomAD 0.04%). This variant has not been reported in the literature in individuals affected with GUCY2D-related conditions. ClinVar contains an entry for this variant (Variation ID: 1397077). Algorithms developed to predict the effect of missense changes on protein structure and function output the following: SIFT: "Tolerated"; PolyPhen-2: "Benign"; Align-GVGD: "Class C0". The serine amino acid residue is found in multiple mammalian species, which suggests that this missense change does not adversely affect protein function. In summary, the available evidence is currently insufficient to determine the role of this variant in disease. Therefore, it has been classified as a Variant of Uncertain Significance.

NM_000180.4(GUCY2D):c.451G>A (p.Gly151Ser)

Gene: GUCY2D (guanylate cyclase 2D, retinal; plus strand). Cytogenetic location: 17p13.1.
Variant type: single nucleotide variant.
Coding change: c.451G>A on transcript NM_000180.4 (MANE Select); coding-DNA position 451, G replaced by A.
Protein change: p.Gly151Ser; replaces glycine 151 with serine.
Molecular consequence: missense variant.
Genome position (GRCh38, 1-based): chr17:8,003,498, G>A. VCF-style: chr17-8003498-G-A. GRCh37 (hg19) VCF-style: chr17-7906816-G-A.
Other names: c.451G>A (NM_000180.3); short protein forms G151S.
Identifiers: ClinVar variation 1397077 (VCV001397077.6), dbSNP rs773849840, ClinGen allele CA287523239.